The following is an entry in ClinVar:

ClinVar aggregate classification (germline): Uncertain significance (1 of 4 stars; one submission).

Submission:

GeneDx
Classification: Uncertain significance. Last evaluated: 2021-04-20. Review status: criteria provided, single submitter. Criteria: GeneDx Variant Classification Process June 2021. Collection method: clinical testing. Allele origin: germline. Affected: yes.
Comment: Not observed in large population cohorts (Lek et al., 2016); In silico analysis supports a deleterious effect on splicing; Has not been previously published as pathogenic or benign to our knowledge

NM_152263.4(TPM3):c.495+3_495+6del

Gene: TPM3 (tropomyosin 3; minus strand). Cytogenetic location: 1q21.3.
Variant type: Deletion.
Coding change: c.495+3_495+6del on transcript NM_152263.4 (MANE Select); bases 3 to 6 of the intron after coding-DNA position 495, 4 bases deleted (AAGT; older notation c.495+3_495+6delAAGT).
Molecular consequence: splice donor variant.
Genome position (GRCh38, 1-based): chr1:154,173,078-154,173,081, ACTT deleted on the plus strand (AAGT on the coding strand, the reverse complement: TPM3 is on the minus strand); deleting any 4 consecutive bases within chr1:154,173,078-154,173,083 gives the same sequence; the c. name uses the placement nearest the transcript's 3' end. VCF-style (leftmost placement, unchanged base first): chr1-154173077-CACTT-C. GRCh37 (hg19) VCF-style: chr1-154145553-CACTT-C.
Other names: c.495+3_495+6del (NM_001364679.2, NM_001364681.2, NM_001364680.2 and 1 more transcripts); c.186+3_186+6del (NM_001278188.2); c.384+3_384+6del (NM_001043351.2, NM_001043353.2, NM_001349679.2 and 5 more transcripts); c.114+3_114+6del (NM_001278191.2).
Identifiers: ClinVar variation 1312878 (VCV001312878.2), dbSNP rs2148241975, ClinGen allele CA2573051375.
Genomic context (GRCh38, chr1:154,173,077, plus strand): 5'-GGAGCCATTTACCGCATTATGCTTTGTAAAAGGCCGATACGAGAGGGACTAACAGAAGGT[CACTT>C]ACCTCTTCATACTTCCTATCTGCCTCTTCTGCAATGTGCTTAGCTTCTTTGAGTTGGATT-3'